The following is an entry in ClinVar:

ClinVar aggregate classification (germline): Benign (1 of 4 stars; one submission).

Allele frequency attached by ClinVar (database versions not stated): gnomAD exomes 0.13767; 1000 Genomes Project 0.15695; 1000 Genomes Project 30x 0.16099; gnomAD 0.20277 and 0.21370; TOPMed 0.21379.
gnomAD v4.1: 104,811 of 684,328 alleles (15%); highest among the groups gnomAD compares: African/African-American, 34%; 9,888 homozygotes.

Submission:

GeneDx
Classification: Benign. Last evaluated: 2018-06-18. Review status: criteria provided, single submitter. Criteria: GeneDx Variant Classification (06012015). Collection method: clinical testing. Allele origin: germline. Affected: yes.
Comment: This variant is considered likely benign or benign based on one or more of the following criteria: it is a conservative change, it occurs at a poorly conserved position in the protein, it is predicted to be benign by multiple in silico algorithms, and/or has population frequency not consistent with disease.

NM_133259.4(LRPPRC):c.470-132C>G

Gene: LRPPRC (leucine rich pentatricopeptide repeat containing; minus strand). Cytogenetic location: 2p21.
Variant type: single nucleotide variant.
Coding change: c.470-132C>G on transcript NM_133259.4 (MANE Select); 132 bases into the intron before coding-DNA position 470, C replaced by G.
Molecular consequence: intron variant.
Genome position (GRCh38, 1-based): chr2:43,977,408, G>C on the plus strand (C>G on the coding strand, the complement: LRPPRC is on the minus strand). VCF-style: chr2-43977408-G-C. GRCh37 (hg19) VCF-style: chr2-44204547-G-C.
Identifiers: ClinVar variation 676147 (VCV000676147.1), dbSNP rs6721144, ClinGen allele CA11065718.